The following is an entry in ClinVar:

ClinVar aggregate classification (germline): Likely pathogenic. Review status: criteria provided, multiple submitters, no conflicts (2 of 4 stars). 2 submissions from 2 submitters: Likely pathogenic (2). Last evaluated 2026-04-16.

Conditions:
Hereditary cancer-predisposing syndrome. Also called: Tumor predisposition; Neoplastic Syndromes, Hereditary; Hereditary neoplastic syndrome; Hereditary Cancer Syndrome. Identifiers: Orphanet 140162, MedGen C0027672, MeSH D009386, MONDO:0015356.

Submissions (2):

Ambry Genetics
Classification: Likely pathogenic for Hereditary cancer-predisposing syndrome. Last evaluated: 2026-04-16. Review status: criteria provided, single submitter. Criteria: Ambry Variant Classification Scheme 2023. Collection method: clinical testing. Allele origin: germline.
Comment: The c.795+1G>A intronic variant results from a G to A substitution one nucleotide after coding exon 6 of the SMARCB1 gene. Variants that disrupt the canonical splice site are expected to result in aberrant splicing. In silico splice site analysis predicts that this alteration will weaken the native splice donor site and will result in the creation or strengthening of a novel splice donor site. A resulting transcript is predicted to be in-frame and is not expected to trigger nonsense-mediated mRNA decay. RNA studies have demonstrated that this variant results in a transcript predicted to lead to a protein with an in-frame insertion of 15 amino acids; however, the exact functional impact of the inserted amino acids is unknown at this time (Ambry internal data). This variant was reported in individual(s) with features consistent with SMARCB1-related tumor predisposition and schwannomatosis (Ambry internal data). Another variant impacting the same donor/acceptor site (c.795+1G>T) have been shown to have a similar impact on splicing in individuals with schwannomatosis (Boyd C et al. Clin Genet, 2008 Oct;74:358-66, Smith MJ et al. Hum Mol Genet, 2012 Dec;21:5239-45). This variant is considered to be rare based on population cohorts in the Genome Aggregation Database (gnomAD). This nucleotide position is highly conserved in available vertebrate species. Loss-of-function variants in SMARCB1 are known to cause rhabdoid tumor predisposition syndrome and schwannomatosis; however, such associations with neurodevelopmental disorders are exceedingly rare (Kosho T et al. Am J Med Genet C Semin Med Genet. 2014 Sep;166C(3):262-75; Eaton KW et al. Pediatr Blood Cancer. 2011 Jan;56(1):7-15). Based on the supporting evidence, this variant is likely pathogenic for SMARCB1-related tumor predisposition; however, the association of this variant with Coffin-Siris syndrome is unlikely.

Labcorp Genetics (formerly Invitae), Labcorp
Classification: Likely pathogenic. Last evaluated: 2022-10-13. Review status: criteria provided, single submitter. Criteria: Invitae Variant Classification Sherloc (09022015). Collection method: clinical testing. Allele origin: germline.
Comment: ClinVar contains an entry for this variant (Variation ID: 852071). This sequence change affects a donor splice site in intron 6 of the SMARCB1 gene. It is expected to disrupt RNA splicing. Variants that disrupt the donor or acceptor splice site typically lead to a loss of protein function (PMID: 16199547), and loss-of-function variants in SMARCB1 are known to be pathogenic (PMID: 10521299, 21208904). This variant is not present in population databases (gnomAD no frequency). Disruption of this splice site has been observed in individual(s) with schwannomatosis (PMID: 18647326). Algorithms developed to predict the effect of sequence changes on RNA splicing suggest that this variant may disrupt the consensus splice site. In summary, the currently available evidence indicates that the variant is pathogenic, but additional data are needed to prove that conclusively. Therefore, this variant has been classified as Likely Pathogenic.

Literature cited by the submitters: PubMed 18647326 (cited by Ambry Genetics and Labcorp Genetics (formerly Invitae), Labcorp); PubMed 22949514 (cited by Ambry Genetics); PubMed 16199547 (cited by Labcorp Genetics (formerly Invitae), Labcorp); PubMed 10521299 (cited by Labcorp Genetics (formerly Invitae), Labcorp); PubMed 21208904 (cited by Labcorp Genetics (formerly Invitae), Labcorp).

NM_003073.5(SMARCB1):c.795+1G>A

Gene: SMARCB1 (SWI/SNF related BAF chromatin remodeling complex subunit B1; plus strand). Cytogenetic location: 22q11.23.
Variant type: single nucleotide variant.
Coding change: c.795+1G>A on transcript NM_003073.5 (MANE Select); the canonical splice donor site of the intron after coding-DNA position 795, G replaced by A.
Molecular consequence: splice donor variant.
Genome position (GRCh38, 1-based): chr22:23,816,937, G>A. VCF-style: chr22-23816937-G-A. GRCh37 (hg19) VCF-style: chr22-24159124-G-A.
Other names: c.849+1G>A (NM_001362877.2); c.822+1G>A (NM_001317946.2); c.768+1G>A (NM_001007468.3).
Identifiers: ClinVar variation 852071 (VCV000852071.13), dbSNP rs1930230378, ClinGen allele CA410902105.